The following is an entry in ClinVar:

NM_001134363.3(RBM20):c.95C>G (p.Ser32Cys)

Gene: RBM20 (RNA binding motif protein 20; plus strand). Cytogenetic location: 10q25.2.
Variant type: single nucleotide variant.
Coding change: c.95C>G on transcript NM_001134363.3 (MANE Select); coding-DNA position 95, C replaced by G.
Protein change: p.Ser32Cys; replaces serine 32 with cysteine.
Molecular consequence: missense variant.
Genome position (GRCh38, 1-based): chr10:110,644,549, C>G. VCF-style: chr10-110644549-C-G. GRCh37 (hg19) VCF-style: chr10-112404307-C-G.
Other names: short protein forms S32C.
Identifiers: ClinVar variation 5028022 (VCV005028022.1).

ClinVar aggregate classification (germline): Uncertain significance (1 of 4 stars; one submission).

Conditions:
Cardiovascular phenotype. Identifiers: MedGen CN230736.

gnomAD v4.1: 23 of 1,526,668 alleles (0.0015%); highest among the groups gnomAD compares: Non-Finnish European, 0.002%; no homozygotes.

Submission:

Ambry Genetics
Classification: Uncertain significance for Cardiovascular phenotype. Last evaluated: 2026-08-10. Review status: criteria provided, single submitter. Criteria: Ambry Variant Classification Scheme 2023. Collection method: clinical testing. Allele origin: germline.
Comment: The p.S32C variant (also known as c.95C>G), located in coding exon 1 of the RBM20 gene, results from a C to G substitution at nucleotide position 95. The serine at codon 32 is replaced by cysteine, an amino acid with dissimilar properties. This amino acid position is conserved. In addition, this alteration is predicted to be tolerated by in silico analysis. Based on the available evidence, the clinical significance of this variant remains unclear.